The following is an entry in ClinVar:

NM_000135.4(FANCA):c.2426G>T (p.Gly809Val)

Gene: FANCA (FA complementation group A; minus strand). Cytogenetic location: 16q24.3.
Variant type: single nucleotide variant.
Coding change: c.2426G>T on transcript NM_000135.4 (MANE Select); coding-DNA position 2426, G replaced by T.
Protein change: p.Gly809Val; replaces glycine 809 with valine.
Molecular consequence: missense variant.
Genome position (GRCh38, 1-based): chr16:89,769,915, C>A on the plus strand (G>T on the coding strand, the complement: FANCA is on the minus strand). VCF-style: chr16-89769915-C-A. GRCh37 (hg19) VCF-style: chr16-89836323-C-A.
Other names: c.2426G>T, p.Gly809Val (NM_001286167.3); short protein forms G809V.
Identifiers: ClinVar variation 2861467 (VCV002861467.3), dbSNP rs7195066, ClinGen allele CA397443540.
Genomic context (GRCh38, chr16:89,769,915, plus strand): 5'-GAATCCCTCGTCCTACAGGTCAGGAGGCTGTCAAAGAGCGCAGGGACAGGAAGGCCAGCA[C>A]CAGGTGCAGGAGGACCCACATCCACCTCTGGGAGCGCAGACCTGGACTCACCCAGGTGCA-3'
Protein context (NP_000126.2, residues 799-819): PEVDVGPPAP[Gly809Val]AGLPVPALFD

ClinVar aggregate classification (germline): Uncertain significance (1 of 4 stars; one submission).

Conditions:
Fanconi anemia (FA). Also called: Fanconi's anemia. Identifiers: Orphanet 84, MedGen C0015625, MeSH D005199, MONDO:0019391.

Submission:

Labcorp Genetics (formerly Invitae), Labcorp
Classification: Uncertain significance for Fanconi anemia. Last evaluated: 2023-05-02. Review status: criteria provided, single submitter. Criteria: Invitae Variant Classification Sherloc (09022015). Collection method: clinical testing. Allele origin: germline.
Comment: In summary, the available evidence is currently insufficient to determine the role of this variant in disease. Therefore, it has been classified as a Variant of Uncertain Significance. Advanced modeling of protein sequence and biophysical properties (such as structural, functional, and spatial information, amino acid conservation, physicochemical variation, residue mobility, and thermodynamic stability) performed at Invitae indicates that this missense variant is not expected to disrupt FANCA protein function. This variant has not been reported in the literature in individuals affected with FANCA-related conditions. This variant is not present in population databases (gnomAD no frequency). This sequence change replaces glycine, which is neutral and non-polar, with valine, which is neutral and non-polar, at codon 809 of the FANCA protein (p.Gly809Val).